The following is an entry in ClinVar:

NM_130384.3(ATRIP):c.2309-3C>T

Genes: ATRIP (ATR interacting protein; plus strand), ATRIP-TREX1 (ATRIP-TREX1 readthrough; plus strand), LOC129936704 (ATAC-STARR-seq lymphoblastoid active region 19829; plus strand). Cytogenetic location: 3p21.31.
Variant type: single nucleotide variant.
Coding change: c.2309-3C>T on transcript NM_130384.3 (MANE Select); 3 bases into the intron before coding-DNA position 2309, C replaced by T.
Molecular consequence: intron variant.
Genome position (GRCh38, 1-based): chr3:48,465,484, C>T. VCF-style: chr3-48465484-C-T. GRCh37 (hg19) VCF-style: chr3-48506883-C-T.
Other names: c.2228-3C>T (NM_032166.4); c.1928-3C>T (NM_001271022.2); c.2030-3C>T (NM_001271023.2).
Identifiers: ClinVar variation 2783169 (VCV002783169.3), dbSNP rs2530020627, ClinGen allele CA2665599764.
Genomic context (GRCh38, chr3:48,465,484, plus strand): 5'-GGGACCTGCCCTAGGCCCTGGCACCTTTGGGCCCTCACCAGGAACCTCTCCTTTTTGTCT[C>T]AGAGGCAGCCCTGGATGACCTCTGTGCCGCGGAAACCGATGTGGAAGACCCCGAGGTGGA-3'

ClinVar aggregate classification (germline): Uncertain significance (1 of 4 stars; one submission).

Allele frequency attached by ClinVar (database versions not stated): gnomAD exomes below 0.00001.

Submission:

Labcorp Genetics (formerly Invitae), Labcorp
Classification: Uncertain significance. Last evaluated: 2023-12-17. Review status: criteria provided, single submitter. Criteria: Invitae Variant Classification Sherloc (09022015). Collection method: clinical testing. Allele origin: germline.
Comment: This sequence change falls in intron 12 of the ATRIP gene. It does not directly change the encoded amino acid sequence of the ATRIP protein. It affects a nucleotide within the consensus splice site. This variant is not present in population databases (gnomAD no frequency). This variant has not been reported in the literature in individuals affected with ATRIP-related conditions. Variants that disrupt the consensus splice site are a relatively common cause of aberrant splicing (PMID: 17576681, 9536098). Algorithms developed to predict the effect of sequence changes on RNA splicing suggest that this variant is not likely to affect RNA splicing. In summary, the available evidence is currently insufficient to determine the role of this variant in disease. Therefore, it has been classified as a Variant of Uncertain Significance.

Literature cited by the submitters: PubMed 17576681; PubMed 9536098.